The following is an entry in ClinVar:

ClinVar aggregate classification (germline): Pathogenic/Likely pathogenic. Review status: criteria provided, multiple submitters, no conflicts (2 of 4 stars). 3 submissions from 3 submitters: Pathogenic (1); Likely pathogenic (1). 1 of the submissions does not count toward it. Last evaluated 2022-08-24.

Conditions:
Basilicata-Akhtar syndrome. Also called: MENTAL RETARDATION, X-LINKED, SYNDROMIC, BASILICATA-AKHTAR TYPE; INTELLECTUAL DEVELOPMENTAL DISORDER, X-LINKED, SYNDROMIC, 36. Identifiers: MedGen C5231394, MONDO:0026730, OMIM 301032.
Intellectual disability. Also called: Intellectual developmental disorder; Intellectual functioning disability; intellectual disabilities. Identifiers: MedGen C3714756, MeSH D008607, MONDO:0001071, HP:0001249.

Submissions (3):

GeneDx
Classification: Pathogenic. Last evaluated: 2022-08-24. Review status: criteria provided, single submitter. Criteria: GeneDx Variant Classification Process June 2021. Collection method: clinical testing. Allele origin: germline. Affected: yes.
Comment: Nonsense variant predicted to result in protein truncation, as the last 176 amino acids are lost, and other loss-of-function variants have been reported downstream in HGMD and the published literature (Stenson et al., 2014; Basilicata et al., 2018); Not observed at significant frequency in large population cohorts (gnomAD); This variant is associated with the following publications: (PMID: 30224647)

Equipe Genetique des Anomalies du Developpement, Université de Bourgogne
Classification: Likely pathogenic for Intellectual disability. Last evaluated: 2017-01-01. Review status: criteria provided, single submitter. Criteria: ACMG Guidelines, 2015. Collection method: research. Allele origin: de novo. Affected: yes. Observed: 1 variant allele.

OMIM
Classification: Pathogenic for BASILICATA-AKHTAR SYNDROME. Last evaluated: 2022-08-05. Review status: no assertion criteria provided. Collection method: literature only. Allele origin: germline. Not counted in ClinVar's aggregate classification.

Literature cited by the submitters: PubMed 30224647 (cited by OMIM).

NM_078629.4(MSL3):c.1036C>T (p.Gln346Ter)

Gene: MSL3 (MSL complex subunit 3; plus strand). Cytogenetic location: Xp22.2.
Variant type: single nucleotide variant.
Coding change: c.1036C>T on transcript NM_078629.4 (MANE Select); coding-DNA position 1036, C replaced by T.
Protein change: p.Gln346Ter; replaces glutamine 346 with a stop codon.
Molecular consequence: nonsense.
Genome position (GRCh38, 1-based): chrX:11,765,594, C>T. VCF-style: chrX-11765594-C-T. GRCh37 (hg19) VCF-style: chrX-11783713-C-T.
Other names: c.1000C>T, p.Gln334Ter (NM_001193270.2); c.589C>T, p.Gln197Ter (NM_001282174.1); c.538C>T, p.Gln180Ter (NM_006800.4); c.1036C>T, p.Gln346Ter (NM_078628.2); short protein forms Q180*, Q346*, Q197*, Q334*.
Identifiers: ClinVar variation 487566 (VCV000487566.6), dbSNP rs1555906768, ClinGen allele CA412066038.